The following is an entry in ClinVar:

NM_001258392.3(CLPB):c.1108A>C (p.Lys370Gln)

Gene: CLPB (ClpB family mitochondrial disaggregase; minus strand). Cytogenetic location: 11q13.4.
Variant type: single nucleotide variant.
Coding change: c.1108A>C on transcript NM_001258392.3 (MANE Select); coding-DNA position 1108, A replaced by C.
Protein change: p.Lys370Gln; replaces lysine 370 with glutamine.
Molecular consequence: missense variant.
Genome position (GRCh38, 1-based): chr11:72,307,213, T>G on the plus strand (A>C on the coding strand, the complement: CLPB is on the minus strand). VCF-style: chr11-72307213-T-G. GRCh37 (hg19) VCF-style: chr11-72018257-T-G.
Other names: c.1021A>C, p.Lys341Gln (NM_001258393.3); c.1063A>C, p.Lys355Gln (NM_001258394.3); c.1198A>C, p.Lys400Gln (NM_030813.6); short protein forms K341Q, K355Q, K370Q, K400Q.
Identifiers: ClinVar variation 4072744 (VCV004072744.1).

ClinVar aggregate classification (germline): Uncertain significance (1 of 4 stars; one submission).

Submission:

GeneDx
Classification: Uncertain significance. Last evaluated: 2025-01-29. Review status: criteria provided, single submitter. Criteria: GeneDx Variant Classification Process June 2021. Collection method: clinical testing. Allele origin: germline. Affected: yes.
Comment: Not observed at significant frequency in large population cohorts (gnomAD); In silico analysis supports that this missense variant has a deleterious effect on protein structure/function; Has not been previously published as pathogenic or benign to our knowledge